The following is an entry in ClinVar:

ClinVar aggregate classification (germline): Uncertain significance (1 of 4 stars; one submission).

Allele frequency attached by ClinVar (database versions not stated): gnomAD 0.00002; ExAC 0.00002; gnomAD exomes 0.00004; TOPMed 0.00003.
gnomAD v4.1: 60 of 1,612,984 alleles (0.0037%); highest among the groups gnomAD compares: South Asian, 0.015%; no homozygotes.

Submission:

Labcorp Genetics (formerly Invitae), Labcorp
Classification: Uncertain significance. Last evaluated: 2025-10-03. Review status: criteria provided, single submitter. Criteria: Invitae Variant Classification Sherloc (09022015). Collection method: clinical testing. Allele origin: germline.
Comment: This sequence change replaces valine, which is neutral and non-polar, with isoleucine, which is neutral and non-polar, at codon 2458 of the HMCN1 protein (p.Val2458Ile). This variant is present in population databases (rs746779722, gnomAD 0.01%). This variant has not been reported in the literature in individuals affected with HMCN1-related conditions. ClinVar contains an entry for this variant (Variation ID: 2890702). An algorithm developed to predict the effect of missense changes on protein structure and function outputs the following: PolyPhen-2: "Benign". The isoleucine amino acid residue is found in multiple mammalian species, which suggests that this missense change does not adversely affect protein function. In summary, the available evidence is currently insufficient to determine the role of this variant in disease. Therefore, it has been classified as a Variant of Uncertain Significance.

NM_031935.3(HMCN1):c.7372G>A (p.Val2458Ile)

Gene: HMCN1 (hemicentin 1; plus strand). Cytogenetic location: 1q31.1.
Variant type: single nucleotide variant.
Coding change: c.7372G>A on transcript NM_031935.3 (MANE Select); coding-DNA position 7372, G replaced by A.
Protein change: p.Val2458Ile; replaces valine 2458 with isoleucine.
Molecular consequence: missense variant.
Genome position (GRCh38, 1-based): chr1:186,061,910, G>A. VCF-style: chr1-186061910-G-A. GRCh37 (hg19) VCF-style: chr1-186031042-G-A.
Other names: short protein forms V2458I.
Identifiers: ClinVar variation 2890702 (VCV002890702.3), dbSNP rs746779722, ClinGen allele CA1292814.